The following is an entry in ClinVar:

NM_000551.4(VHL):c.340+670A>G

Genes: VHL (von Hippel-Lindau tumor suppressor; plus strand), LOC107303340 (3p25 von Hippel-Lindau tumor suppressor, E3 ubiquitin protein ligase Alu-mediated recombination region; plus strand). Cytogenetic location: 3p25.3.
Variant type: single nucleotide variant.
Coding change: c.340+670A>G on transcript NM_000551.4 (MANE Select); 670 bases into the intron after coding-DNA position 340, A replaced by G.
Molecular consequence: intron variant. On other transcripts: synonymous variant (1).
Genome position (GRCh38, 1-based): chr3:10,142,857, A>G. VCF-style: chr3-10142857-A-G. GRCh37 (hg19) VCF-style: chr3-10184541-A-G.
Other names: c.435A>G, p.Thr145= (NM_001354723.2); c.340+670A>G (NM_198156.3).
Identifiers: ClinVar variation 1469570 (VCV001469570.6), dbSNP rs2125125958, ClinGen allele CA2573136112.

ClinVar aggregate classification (germline): Uncertain significance (1 of 4 stars; one submission).

Conditions:
Von Hippel-Lindau syndrome (VHLS). Also called: Von Hippel-Lindau; von Hippel–Lindau syndrome; VHL syndrome. Identifiers: Orphanet 892, MedGen C0019562, MONDO:0008667, OMIM 193300. Disease mechanism: loss of function.
Chuvash polycythemia. Also called: POLYCYTHEMIA, VHL-DEPENDENT. Identifiers: Orphanet 238557, MedGen C1837915, MONDO:0009892, OMIM 263400.

Submission:

Labcorp Genetics (formerly Invitae), Labcorp
Classification: Uncertain significance for Von Hippel-Lindau syndrome; Chuvash polycythemia. Last evaluated: 2024-12-20. Review status: criteria provided, single submitter. Criteria: Invitae Variant Classification Sherloc (09022015). Collection method: clinical testing. Allele origin: germline.
Comment: This sequence change falls in intron 1 of the VHL gene. It is not expected to change the encoded amino acid sequence of the VHL protein. However, this sequence change falls within a cryptic exon in the VHL gene, known as exon E1’, which is naturally expressed at low levels in several human tissues (PMID: 29891534). This variant is not present in population databases (gnomAD no frequency). This variant has not been reported in the literature in individuals affected with VHL-related conditions. ClinVar contains an entry for this variant (Variation ID: 1469570). Algorithms developed to predict the effect of sequence changes on RNA splicing suggest that this variant is not likely to affect RNA splicing. In summary, the available evidence is currently insufficient to determine the role of this variant in disease. Therefore, it has been classified as a Variant of Uncertain Significance.

Literature cited by the submitters: PubMed 29891534.